The following is an entry in ClinVar:

ClinVar aggregate classification (germline): Uncertain significance (1 of 4 stars; one submission).

Conditions:
Ehlers-Danlos syndrome, dermatosparaxis type. Also called: Dermatosparaxis; Ehlers-Danlos syndrome, type VII, autosomal recessive; EDS VIIC. Identifiers: Orphanet 1901, MedGen C2700425, MONDO:0009161, OMIM 225410.

Allele frequency attached by ClinVar (database versions not stated): ExAC 0.00003; gnomAD 0.00003; gnomAD exomes 0.00003; TOPMed 0.00004.
gnomAD v4.1: 42 of 1,613,966 alleles (0.0026%); highest among the groups gnomAD compares: South Asian, 0.0099%; no homozygotes.

Submission:

Labcorp Genetics (formerly Invitae), Labcorp
Classification: Uncertain significance for Ehlers-Danlos syndrome, dermatosparaxis type. Last evaluated: 2025-03-17. Review status: criteria provided, single submitter. Criteria: Invitae Variant Classification Sherloc (09022015). Collection method: clinical testing. Allele origin: germline.
Comment: This sequence change replaces aspartic acid, which is acidic and polar, with asparagine, which is neutral and polar, at codon 844 of the ADAMTS2 protein (p.Asp844Asn). This variant is present in population databases (rs764687535, gnomAD 0.01%). This variant has not been reported in the literature in individuals affected with ADAMTS2-related conditions. ClinVar contains an entry for this variant (Variation ID: 1177510). An algorithm developed to predict the effect of missense changes on protein structure and function (PolyPhen-2) suggests that this variant is likely to be disruptive. In summary, the available evidence is currently insufficient to determine the role of this variant in disease. Therefore, it has been classified as a Variant of Uncertain Significance.

NM_014244.5(ADAMTS2):c.2530G>A (p.Asp844Asn)

Gene: ADAMTS2 (ADAM metallopeptidase with thrombospondin type 1 motif 2; minus strand). Cytogenetic location: 5q35.3.
Variant type: single nucleotide variant.
Coding change: c.2530G>A on transcript NM_014244.5 (MANE Select); coding-DNA position 2530, G replaced by A.
Protein change: p.Asp844Asn; replaces aspartic acid 844 with asparagine.
Molecular consequence: missense variant.
Genome position (GRCh38, 1-based): chr5:179,128,046, C>T on the plus strand (G>A on the coding strand, the complement: ADAMTS2 is on the minus strand). VCF-style: chr5-179128046-C-T. GRCh37 (hg19) VCF-style: chr5-178555047-C-T.
Other names: short protein forms D844N.
Identifiers: ClinVar variation 1177510 (VCV001177510.8), dbSNP rs764687535, ClinGen allele CA3595524.
Genomic context (GRCh38, chr5:179,128,046, plus strand): 5'-ACCACTTCTTCAGGGCCCACTCGTAGACCACAGAGTCCTCTTCCAGGACGTTGTTGTCGT[C>T]GACATTCAGTGAGTCCTCATGGATCATGTATTTGTACGTCAGTGAGACCCGGGTGTCTCC-3'
Protein context (NP_055059.2, residues 834-854): YMIHEDSLNV[Asp844Asn]DNNVLEEDSV